The following is an entry in ClinVar:

NM_139137.4(KCNC2):c.1675C>T (p.Pro559Ser)

Gene: KCNC2 (potassium voltage-gated channel subfamily C member 2; minus strand). Cytogenetic location: 12q21.1.
Variant type: single nucleotide variant.
Coding change: c.1675C>T on transcript NM_139137.4 (MANE Select); coding-DNA position 1675, C replaced by T.
Protein change: p.Pro559Ser; replaces proline 559 with serine.
Molecular consequence: missense variant. On other transcripts: synonymous variant (3), non-coding transcript variant (2), intron variant (4).
Genome position (GRCh38, 1-based): chr12:75,048,258, G>A on the plus strand (C>T on the coding strand, the complement: KCNC2 is on the minus strand). VCF-style: chr12-75048258-G-A. GRCh37 (hg19) VCF-style: chr12-75442038-G-A.
Other names: c.1675C>T, p.Pro559Ser (NM_001260497.2, NM_001260498.2, NM_001414192.1 and 4 more transcripts); c.1624C>T, p.Pro542Ser (NM_001414194.1, NM_001414198.1); c.1779C>T, p.Ser593= (NM_001414202.1, NM_001414206.1, NM_001414213.1); c.1615+2132C>T (NM_001414199.1, NM_153748.3, NM_001260499.2); c.1762+1584C>T (NM_001414197.1); short protein forms P542S, P559S.
Identifiers: ClinVar variation 3390452 (VCV003390452.1).

ClinVar aggregate classification (germline): Uncertain significance (1 of 4 stars; one submission).

gnomAD v4.1: 3 of 1,612,884 alleles (0.00019%); highest among the groups gnomAD compares: Non-Finnish European, 0.00025%; no homozygotes.

Submission:

GeneDx
Classification: Uncertain significance. Last evaluated: 2024-06-11. Review status: criteria provided, single submitter. Criteria: GeneDx Variant Classification Process June 2021. Collection method: clinical testing. Allele origin: germline. Affected: yes.
Comment: Not observed at significant frequency in large population cohorts (gnomAD); In silico analysis indicates that this missense variant does not alter protein structure/function; Has not been previously published as pathogenic or benign to our knowledge